The following is an entry in ClinVar:

ClinVar aggregate classification (germline): Uncertain significance. Review status: criteria provided, multiple submitters, no conflicts (2 of 4 stars). 2 submissions from 2 submitters: Uncertain significance (2). Last evaluated 2025-09-16.

gnomAD v4.1: 8 of 1,613,184 alleles (0.0005%); highest among the groups gnomAD compares: African/African-American, 0.011%; no homozygotes.

Submissions (2):

Labcorp Genetics (formerly Invitae), Labcorp
Classification: Uncertain significance. Last evaluated: 2025-09-16. Review status: criteria provided, single submitter. Criteria: Invitae Variant Classification Sherloc (09022015). Collection method: clinical testing. Allele origin: germline.
Comment: This sequence change replaces alanine, which is neutral and non-polar, with glycine, which is neutral and non-polar, at codon 278 of the IL6ST protein (p.Ala278Gly). This variant is present in population databases (rs762288552, gnomAD 0.01%). This variant has not been reported in the literature in individuals affected with IL6ST-related conditions. ClinVar contains an entry for this variant (Variation ID: 3610546). An algorithm developed to predict the effect of missense changes on protein structure and function (PolyPhen-2) suggests that this variant is likely to be tolerated. In summary, the available evidence is currently insufficient to determine the role of this variant in disease. Therefore, it has been classified as a Variant of Uncertain Significance.

Ambry Genetics
Classification: Uncertain significance. Last evaluated: 2025-03-23. Review status: criteria provided, single submitter. Criteria: Ambry Variant Classification Scheme 2023. Collection method: clinical testing. Allele origin: germline.

NM_002184.4(IL6ST):c.833C>G (p.Ala278Gly)

Gene: IL6ST (interleukin 6 cytokine family signal transducer; minus strand). Cytogenetic location: 5q11.2.
Variant type: single nucleotide variant.
Coding change: c.833C>G on transcript NM_002184.4 (MANE Select); coding-DNA position 833, C replaced by G.
Protein change: p.Ala278Gly; replaces alanine 278 with glycine.
Molecular consequence: missense variant. On other transcripts: 5 prime UTR variant (3), non-coding transcript variant (2).
Genome position (GRCh38, 1-based): chr5:55,960,542, G>C on the plus strand (C>G on the coding strand, the complement: IL6ST is on the minus strand). VCF-style: chr5-55960542-G-C. GRCh37 (hg19) VCF-style: chr5-55256370-G-C.
Other names: c.833C>G (NM_002184.3); c.833C>G, p.Ala278Gly (NM_001190981.2, NM_001364275.2, NM_175767.3); c.623C>G, p.Ala208Gly (NM_001364276.2); c.-81C>G (NM_001364277.2, NM_001364279.2); c.-71C>G (NM_001364278.2); short protein forms A208G, A278G.
Identifiers: ClinVar variation 3610546 (VCV003610546.3).